The following is an entry in ClinVar:

NM_001083961.2(WDR62):c.2286GCA[6] (p.Gln766dup)

Gene: WDR62 (WD repeat domain 62; plus strand). Cytogenetic location: 19q13.12.
Variant type: Microsatellite.
Coding change: c.2286GCA[6] on transcript NM_001083961.2 (MANE Select); six copies in a row of the 3-base unit GCA starting at c.2286; the reference has five copies in a row; one copy, 3 bases duplicated.
Protein change: p.Gln766dup; duplicates glutamine 766.
Molecular consequence: inframe insertion.
Genome position (GRCh38, 1-based): chr19:36,092,776-36,092,778, GCA duplicated; duplicating any 3 consecutive bases within chr19:36,092,764-36,092,778 gives the same sequence; the position shown is the placement nearest the transcript's 3' end. VCF-style (leftmost placement, unchanged base first): chr19-36092763-G-GGCA. GRCh37 (hg19) VCF-style: chr19-36583665-G-GGCA.
Other names: c.2286GCA[6], p.Gln766dup (NM_173636.5).
Identifiers: ClinVar variation 1475559 (VCV001475559.5), dbSNP rs375277875, ClinGen allele CA9395889.

ClinVar aggregate classification (germline): Uncertain significance (1 of 4 stars; one submission).

Submission:

Labcorp Genetics (formerly Invitae), Labcorp
Classification: Uncertain significance. Last evaluated: 2024-11-04. Review status: criteria provided, single submitter. Criteria: Invitae Variant Classification Sherloc (09022015). Collection method: clinical testing. Allele origin: germline.
Comment: This variant, c.2298_2300dup, results in the insertion of 1 amino acid(s) of the WDR62 protein (p.Gln766dup), but otherwise preserves the integrity of the reading frame. This variant is present in population databases (rs375277875, gnomAD 0.008%). This variant has not been reported in the literature in individuals affected with WDR62-related conditions. Experimental studies and prediction algorithms are not available or were not evaluated, and the functional significance of this variant is currently unknown. In summary, the available evidence is currently insufficient to determine the role of this variant in disease. Therefore, it has been classified as a Variant of Uncertain Significance.